The following is an entry in ClinVar:

ClinVar aggregate classification (germline): Likely benign (1 of 4 stars; one submission).

Allele frequency attached by ClinVar (database versions not stated): gnomAD 0.00002 and 0.00005; ExAC 0.00006; gnomAD exomes 0.00010; 1000 Genomes Project 30x 0.00047; 1000 Genomes Project 0.00060.
gnomAD v4.1: 52 of 1,613,938 alleles (0.0032%); highest among the groups gnomAD compares: East Asian, 0.082%; no homozygotes.

Submission:

GeneDx
Classification: Likely benign. Last evaluated: 2017-09-07. Review status: criteria provided, single submitter. Criteria: GeneDx Variant Classification (06012015). Collection method: clinical testing. Allele origin: germline. Affected: yes.
Comment: This variant is considered likely benign or benign based on one or more of the following criteria: it is a conservative change, it occurs at a poorly conserved position in the protein, it is predicted to be benign by multiple in silico algorithms, and/or has population frequency not consistent with disease.

NM_000414.4(HSD17B4):c.-17C>T

Gene: HSD17B4 (hydroxysteroid 17-beta dehydrogenase 4; plus strand). Cytogenetic location: 5q23.1.
Variant type: single nucleotide variant.
Coding change: c.-17C>T on transcript NM_000414.4 (MANE Select); 17 bases upstream of the start codon, C replaced by T.
Molecular consequence: 5 prime UTR variant.
Genome position (GRCh38, 1-based): chr5:119,452,559, C>T. VCF-style: chr5-119452559-C-T. GRCh37 (hg19) VCF-style: chr5-118788254-C-T.
Other names: c.-195C>T (NM_001199291.3); c.-17C>T (NM_001199292.2); c.-154C>T (NM_001292027.2); c.-616C>T (NM_001292028.2).
Identifiers: ClinVar variation 506476 (VCV000506476.1), dbSNP rs372388554, ClinGen allele CA3381575.